The following is an entry in ClinVar:

ClinVar aggregate classification (germline): Likely pathogenic (0 of 4 stars; one submission).

Conditions:
Breast carcinoma. Also called: Carcinoma of breast. Identifiers: MedGen C0678222, MONDO:0004989, HP:0003002.

Submission:

Medical Genetics Laboratory, Umraniye Training and Research Hospital, University of Health Sciences
Classification: Likely pathogenic for Breast carcinoma. Last evaluated: 2021-08-23. Review status: no assertion criteria provided. Collection method: clinical testing. Allele origin: germline. Affected: yes. Observed: 1 variant allele, 1 heterozygote.
Comment: Invasive Ductal Carcinoma Estrogen Receptor: Negative Progesterone Receptor: Negative HER2 Receptor: Negative

NM_007294.4(BRCA1):c.2756del (p.Pro919fs)

Gene: BRCA1 (BRCA1 DNA repair associated; minus strand). Cytogenetic location: 17q21.31.
Variant type: Deletion.
Coding change: c.2756del on transcript NM_007294.4 (MANE Select); coding-DNA position 2756, one base deleted (C; older notation c.2756delC).
Protein change: p.Pro919fs; shifts the reading frame from proline 919.
Molecular consequence: frameshift variant. On other transcripts: intron variant (137).
Genome position (GRCh38, 1-based): chr17:43,092,775, G deleted on the plus strand (C on the coding strand, the reverse complement: BRCA1 is on the minus strand); the first of 2 consecutive G bases (chr17:43,092,775-43,092,776); deleting either gives the same sequence. VCF-style (leftmost placement, unchanged base first): chr17-43092774-AG-A. GRCh37 (hg19) VCF-style: chr17-41244791-AG-A.
Other names: c.2543del, p.Pro848fs (NM_001407571.1, NM_001407853.1, NM_001407894.1 and 9 more transcripts); c.2756del, p.Pro919fs (NM_001407581.1, NM_001407582.1, NM_001407583.1 and 30 more transcripts); c.2753del, p.Pro918fs (NM_001407587.1, NM_001407590.1, NM_001407591.1 and 22 more transcripts); c.2747del, p.Pro916fs (NM_001407646.1, NM_001407647.1); c.2633del, p.Pro878fs (NM_001407648.1, NM_001407664.1, NM_001407665.1 and 19 more transcripts); c.2630del, p.Pro877fs (NM_001407649.1, NM_001407670.1, NM_001407671.1 and 11 more transcripts); c.2678del, p.Pro893fs (NM_001407653.1, NM_001407654.1, NM_001407655.1 and 4 more transcripts); c.2675del, p.Pro892fs (NM_001407659.1, NM_001407660.1, NM_001407661.1 and 1 more transcripts); and 41 more; short protein forms P872fs, P919fs, P623fs, P852fs, P892fs, P918fs, P751fs, P791fs.
Identifiers: ClinVar variation 1210123 (VCV001210123.2), dbSNP rs2154361062, ClinGen allele CA2499224494.